The following is an entry in ClinVar:

ClinVar aggregate classification (germline): Uncertain significance. Review status: criteria provided, multiple submitters, no conflicts (2 of 4 stars). 4 submissions from 4 submitters: Uncertain significance (3). 1 of the submissions does not count toward it. Last evaluated 2025-11-16.

Conditions:
Rhabdoid tumor predisposition syndrome 2 (RTPS2). Identifiers: Orphanet 231108, Orphanet 69077, MedGen C2750074, MONDO:0013224, OMIM 613325.
Hereditary cancer-predisposing syndrome. Also called: Tumor predisposition; Hereditary neoplastic syndrome; Hereditary Cancer Syndrome; Neoplastic Syndromes, Hereditary. Identifiers: Orphanet 140162, MedGen C0027672, MeSH D009386, MONDO:0015356.

Allele frequency attached by ClinVar (database versions not stated): gnomAD 0.00001.
gnomAD v4.1: 2 of 1,603,324 alleles (0.00012%); highest among the groups gnomAD compares: Admixed American, 0.0017%; no homozygotes.

Submissions (4):

Dasa
Classification: Uncertain significance for Rhabdoid tumor predisposition syndrome 2. Last evaluated: 2025-11-16. Review status: criteria provided, single submitter. Criteria: DASA Assertion Criteria. Collection method: clinical testing. Allele origin: germline.
Comment: NM_001128849.3(SMARCA4):c.4193A>G (p.His1398Arg) is a missense variant that results in the substitution of histidine with arginine. This variant is rare in population databases. The currently available literature and clinical evidence are not sufficient to establish a definitive association between this variant and the reported condition. Therefore, this variant is classified as a variant of uncertain significance.

Labcorp Genetics (formerly Invitae), Labcorp
Classification: Uncertain significance for Rhabdoid tumor predisposition syndrome 2. Last evaluated: 2025-04-14. Review status: criteria provided, single submitter. Criteria: Invitae Variant Classification Sherloc (09022015). Collection method: clinical testing. Allele origin: germline.
Comment: This sequence change replaces histidine, which is basic and polar, with arginine, which is basic and polar, at codon 1398 of the SMARCA4 protein (p.His1398Arg). This variant is not present in population databases (gnomAD no frequency). This variant has not been reported in the literature in individuals affected with SMARCA4-related conditions. ClinVar contains an entry for this variant (Variation ID: 238455). An algorithm developed to predict the effect of missense changes on protein structure and function (PolyPhen-2) suggests that this variant is likely to be tolerated. In summary, the available evidence is currently insufficient to determine the role of this variant in disease. Therefore, it has been classified as a Variant of Uncertain Significance.

Ambry Genetics
Classification: Uncertain significance for Hereditary cancer-predisposing syndrome. Last evaluated: 2024-09-17. Review status: criteria provided, single submitter. Criteria: Ambry Variant Classification Scheme 2023. Collection method: clinical testing. Allele origin: germline.
Comment: The p.H1398R variant (also known as c.4193A>G), located in coding exon 29 of the SMARCA4 gene, results from an A to G substitution at nucleotide position 4193. The histidine at codon 1398 is replaced by arginine, an amino acid with highly similar properties. This amino acid position is conserved through primates on limited sequence alignment. In addition, this alteration is predicted to be tolerated by in silico analysis. Based on the available evidence, the clinical significance of this variant remains unclear.

Department of Pathology and Laboratory Medicine, Sinai Health System
Classification: Uncertain significance. Review status: no assertion criteria provided. Collection method: clinical testing. Allele origin: unknown. Affected: yes. Study: The Canadian Open Genetics Repository (COGR). Not counted in ClinVar's aggregate classification.
Comment: The SMARCA4 p.H1398R variant was not identified in the literature nor was it identified in Cosmic. The variant was identified in dbSNP (ID: rs878854221) and ClinVar (classified as uncertain significance by Invitae). The variant was not identified in the following control databases: the 1000 Genomes Project, the NHLBI GO Exome Sequencing Project, or the Genome Aggregation Database (March 6, 2019, v2.1.1). The p.H1398 residue is not conserved in mammals and computational analyses (PolyPhen-2, SIFT, AlignGVGD, BLOSUM, MutationTaster) do not suggest a high likelihood of impact to the protein; however, this information is not predictive enough to rule out pathogenicity. The variant occurs outside of the splicing consensus sequence and in silico or computational prediction software programs (SpliceSiteFinder, MaxEntScan, NNSPLICE, GeneSplicer) do not predict a difference in splicing. In summary, based on the above information the clinical significance of this variant cannot be determined with certainty at this time. This variant is classified as a variant of uncertain significance.

NM_001387283.1(SMARCA4):c.4193A>G (p.His1398Arg)

Gene: SMARCA4 (SWI/SNF related BAF chromatin remodeling complex subunit ATPase 4; plus strand). Cytogenetic location: 19p13.2.
Variant type: single nucleotide variant.
Coding change: c.4193A>G on transcript NM_001387283.1 (MANE Plus Clinical); coding-DNA position 4193, A replaced by G.
Protein change: p.His1398Arg; replaces histidine 1398 with arginine.
Molecular consequence: missense variant. On other transcripts: intron variant (7).
Genome position (GRCh38, 1-based): chr19:11,039,480, A>G. VCF-style: chr19-11039480-A-G. GRCh37 (hg19) VCF-style: chr19-11150156-A-G.
Other names: c.4193A>G, p.His1398Arg (NM_001128849.3); c.4171-1827A>G (NM_001128844.3, NM_003072.5); c.4072-1827A>G (NM_001128847.4, NM_001374457.1, NM_001128848.2); c.4072-1818A>G (NM_001128845.2, NM_001128846.2); short protein forms H1398R.
Identifiers: ClinVar variation 238455 (VCV000238455.15), dbSNP rs878854221, ClinGen allele CA10583751.